The following is an entry in ClinVar:

ClinVar aggregate classification (germline): Uncertain significance (1 of 4 stars; one submission).

Conditions:
Long QT syndrome (LQTS). Identifiers: MedGen C0023976, MeSH D008133, MONDO:0002442. Disease mechanism: loss of function. Inheritance: Various modes of inheritance.

Submission:

Labcorp Genetics (formerly Invitae), Labcorp
Classification: Uncertain significance for Long QT syndrome. Last evaluated: 2024-12-02. Review status: criteria provided, single submitter. Criteria: Invitae Variant Classification Sherloc (09022015). Collection method: clinical testing. Allele origin: germline.
Comment: This sequence change affects codon 1380 of the CACNA1C mRNA. It is a 'silent' change, meaning that it does not change the encoded amino acid sequence of the CACNA1C protein. This variant also falls at the last nucleotide of exon 33, which is part of the consensus splice site for this exon. This variant is not present in population databases (gnomAD no frequency). This variant has not been reported in the literature in individuals affected with CACNA1C-related conditions. Variants that disrupt the consensus splice site are a relatively common cause of aberrant splicing (PMID: 17576681, 9536098). Algorithms developed to predict the effect of sequence changes on RNA splicing suggest that this variant may disrupt the consensus splice site. In summary, the available evidence is currently insufficient to determine the role of this variant in disease. Therefore, it has been classified as a Variant of Uncertain Significance.

Literature cited by the submitters: PubMed 17576681; PubMed 9536098.

NM_000719.7(CACNA1C):c.4140G>A (p.Gln1380=)

Gene: CACNA1C (calcium voltage-gated channel subunit alpha1 C; plus strand). Cytogenetic location: 12p13.33.
Variant type: single nucleotide variant.
Coding change: c.4140G>A on transcript NM_000719.7 (MANE Select); coding-DNA position 4140, G replaced by A.
Protein change: p.Gln1380=; no amino-acid change (glutamine 1380 retained).
Molecular consequence: synonymous variant.
Genome position (GRCh38, 1-based): chr12:2,653,900, G>A. VCF-style: chr12-2653900-G-A. GRCh37 (hg19) VCF-style: chr12-2763066-G-A.
Other names: c.4284G>A, p.Gln1428= (NM_001129827.2, NM_199460.4); c.4206G>A, p.Gln1402= (NM_001129829.2); c.4140G>A, p.Gln1380= (NM_001129830.3, NM_001129833.2, NM_001129834.2 and 7 more transcripts); c.4224G>A, p.Gln1408= (NM_001129831.2); c.4200G>A, p.Gln1400= (NM_001129832.2); c.4191G>A, p.Gln1397= (NM_001129836.2); c.4107G>A, p.Gln1369= (NM_001129837.2, NM_001129838.2, NM_001129846.2 and 1 more transcripts); c.4101G>A, p.Gln1367= (NM_001129839.2); and 1 more.
Identifiers: ClinVar variation 3726111 (VCV003726111.2).
Genomic context (GRCh38, chr12:2,653,900, plus strand): 5'-GCCCTATGTGGCCCTCCTGATCGTGATGCTGTTCTTCATCTACGCGGTGATCGGGATGCA[G>A]GTAGGGAGGCTCCCACCACGGGGCTCCTGGCCTCCCGCTCTGTCTCTCCCCAGTTCCCAG-3'
Protein context (NP_000710.5, residues 1370-1390): LFFIYAVIGM[Gln1380=]VFGKIALNDT